The following is an entry in ClinVar:

NM_000228.3(LAMB3):c.1976+1G>A

Gene: LAMB3 (laminin subunit beta 3; minus strand). Cytogenetic location: 1q32.2.
Variant type: single nucleotide variant.
Coding change: c.1976+1G>A on transcript NM_000228.3 (MANE Select); the canonical splice donor site of the intron after coding-DNA position 1976, G replaced by A.
Molecular consequence: splice donor variant.
Genome position (GRCh38, 1-based): chr1:209,625,647, C>T on the plus strand (G>A on the coding strand, the complement: LAMB3 is on the minus strand). VCF-style: chr1-209625647-C-T. GRCh37 (hg19) VCF-style: chr1-209798992-C-T.
Other names: c.1976+1G>A (NM_001127641.1, NM_001017402.2).
Identifiers: ClinVar variation 2825825 (VCV002825825.3), dbSNP rs2464813040, ClinGen allele CA344589010.

ClinVar aggregate classification (germline): Likely pathogenic (1 of 4 stars; one submission).

Submission:

Labcorp Genetics (formerly Invitae), Labcorp
Classification: Likely pathogenic. Last evaluated: 2023-10-24. Review status: criteria provided, single submitter. Criteria: Invitae Variant Classification Sherloc (09022015). Collection method: clinical testing. Allele origin: germline.
Comment: This sequence change affects a donor splice site in intron 14 of the LAMB3 gene. It is expected to disrupt RNA splicing. Variants that disrupt the donor or acceptor splice site typically lead to a loss of protein function (PMID: 16199547), and loss-of-function variants in LAMB3 are known to be pathogenic (PMID: 11023379, 16473856). This variant is not present in population databases (gnomAD no frequency). This variant has not been reported in the literature in individuals affected with LAMB3-related conditions. Algorithms developed to predict the effect of sequence changes on RNA splicing suggest that this variant may disrupt the consensus splice site. In summary, the currently available evidence indicates that the variant is pathogenic, but additional data are needed to prove that conclusively. Therefore, this variant has been classified as Likely Pathogenic.

Literature cited by the submitters: PubMed 16199547; PubMed 11023379; PubMed 16473856.